The following is an entry in ClinVar:

NM_000169.3(GLA):c.884del (p.Phe295fs)

Genes: GLA (galactosidase alpha; minus strand), RPL36A-HNRNPH2 (RPL36A-HNRNPH2 readthrough; plus strand). Cytogenetic location: Xq22.1.
Variant type: Deletion.
Coding change: c.884del on transcript NM_000169.3 (MANE Select); coding-DNA position 884, one base deleted (T; older notation c.884delT).
Protein change: p.Phe295fs; shifts the reading frame from phenylalanine 295.
Molecular consequence: frameshift variant. On other transcripts: non-coding transcript variant (3), intron variant (2).
Genome position (GRCh38, 1-based): chrX:101,398,485, A deleted on the plus strand (T on the coding strand, the reverse complement: GLA is on the minus strand); the first of 2 consecutive A bases (chrX:101,398,485-101,398,486); deleting either gives the same sequence. VCF-style (leftmost placement, unchanged base first): chrX-101398484-GA-G. GRCh37 (hg19) VCF-style: chrX-100653472-GA-G.
Other names: c.1007del, p.Phe336fs (NM_001406747.1); c.884del, p.Phe295fs (NM_001406748.1); c.300+3029del (NM_001199973.2); c.177+6664del (NM_001199974.2); short protein forms F295fs, F336fs.
Identifiers: ClinVar variation 4087016 (VCV004087016.2).

ClinVar aggregate classification (germline): Pathogenic (1 of 4 stars; one submission).

Conditions:
Fabry disease. Also called: ALPHA-GALACTOSIDASE A DEFICIENCY; ANDERSON-FABRY DISEASE; CERAMIDE TRIHEXOSIDASE DEFICIENCY; GLA DEFICIENCY; HEREDITARY DYSTOPIC LIPIDOSIS; Angiokeratoma corporis diffusum. Identifiers: Orphanet 324, MedGen C0002986, MONDO:0010526, OMIM 301500, HP:0001071. Disease mechanism: Fabry disease is due to inactivating mutations in the X-linked GLA gene resulting in deficiency of the enzyme Alpha Galactosidase-A., loss of function.

Submission:

Genomenon, Inc
Classification: Pathogenic for Fabry disease. Last evaluated: 2026-09-08. Review status: criteria provided, single submitter. Criteria: Genomenon Sequence Variant Interpretation Standards - Updated. Collection method: curation. Allele origin: germline. Affected: yes.
Comment: GLA p.Phe295SerfsTer22 (c.884del) is a frameshift variant that is predicted to introduce a premature termination codon and result in a truncated or absent protein product. This variant has been observed in at least one proband with clinical features consistent with Fabry disease (PMID:32813676). It is absent or not present at a significant frequency in gnomAD. In conclusion, we classify GLA p.Phe295SerfsTer22 (c.884del) as a pathogenic variant.

Literature cited by the submitters: PubMed 32813676.